The following is an entry in ClinVar:

NM_015909.4(NBAS):c.1729A>G (p.Lys577Glu)

Gene: NBAS (NBAS subunit of NRZ tethering complex; minus strand). Cytogenetic location: 2p24.3.
Variant type: single nucleotide variant.
Coding change: c.1729A>G on transcript NM_015909.4 (MANE Select); coding-DNA position 1729, A replaced by G.
Protein change: p.Lys577Glu; replaces lysine 577 with glutamic acid.
Molecular consequence: missense variant. On other transcripts: non-coding transcript variant (1).
Genome position (GRCh38, 1-based): chr2:15,468,530, T>C on the plus strand (A>G on the coding strand, the complement: NBAS is on the minus strand). VCF-style: chr2-15468530-T-C. GRCh37 (hg19) VCF-style: chr2-15608654-T-C.
Other names: short protein forms K577E.
Identifiers: ClinVar variation 1375319 (VCV001375319.8), dbSNP rs913270719, ClinGen allele CA42625227.

ClinVar aggregate classification (germline): Uncertain significance (1 of 4 stars; one submission).

Allele frequency attached by ClinVar (database versions not stated): gnomAD exomes below 0.00001; TOPMed below 0.00001; gnomAD 0.00001.
gnomAD v4.1: 3 of 1,613,848 alleles (0.00019%); highest among the groups gnomAD compares: Admixed American, 0.0017%; no homozygotes.

Submission:

Labcorp Genetics (formerly Invitae), Labcorp
Classification: Uncertain significance. Last evaluated: 2024-03-01. Review status: criteria provided, single submitter. Criteria: Invitae Variant Classification Sherloc (09022015). Collection method: clinical testing. Allele origin: germline.
Comment: This sequence change replaces lysine, which is basic and polar, with glutamic acid, which is acidic and polar, at codon 577 of the NBAS protein (p.Lys577Glu). This variant is not present in population databases (gnomAD no frequency). This variant has not been reported in the literature in individuals affected with NBAS-related conditions. ClinVar contains an entry for this variant (Variation ID: 1375319). Advanced modeling of protein sequence and biophysical properties (such as structural, functional, and spatial information, amino acid conservation, physicochemical variation, residue mobility, and thermodynamic stability) performed at Invitae indicates that this missense variant is not expected to disrupt NBAS protein function with a negative predictive value of 95%. In summary, the available evidence is currently insufficient to determine the role of this variant in disease. Therefore, it has been classified as a Variant of Uncertain Significance.